The following is an entry in ClinVar:

NM_001130438.3(SPTAN1):c.6877G>A (p.Val2293Met)

Gene: SPTAN1 (spectrin alpha, non-erythrocytic 1; plus strand). Cytogenetic location: 9q34.11.
Variant type: single nucleotide variant.
Coding change: c.6877G>A on transcript NM_001130438.3 (MANE Select); coding-DNA position 6877, G replaced by A.
Protein change: p.Val2293Met; replaces valine 2293 with methionine.
Molecular consequence: missense variant.
Genome position (GRCh38, 1-based): chr9:128,632,241, G>A. VCF-style: chr9-128632241-G-A. GRCh37 (hg19) VCF-style: chr9-131394520-G-A.
Other names: c.6802G>A, p.Val2268Met (NM_001195532.2); c.6940G>A, p.Val2314Met (NM_001363759.2); c.6817G>A, p.Val2273Met (NM_001363765.2, NM_001375314.2); c.6964G>A, p.Val2322Met (NM_001375310.1); c.6877G>A, p.Val2293Met (NM_001375311.2); c.6913G>A, p.Val2305Met (NM_001375312.2); c.6859G>A, p.Val2287Met (NM_001375313.1); c.6976G>A, p.Val2326Met (NM_001375318.1); and 1 more; short protein forms V2268M, V2273M, V2287M, V2288M, V2293M, V2305M, V2314M, V2322M.
Identifiers: ClinVar variation 1720299 (VCV001720299.5), dbSNP rs1475499020, ClinGen allele CA375098349.

ClinVar aggregate classification (germline): Uncertain significance (1 of 4 stars; one submission).

Conditions:
Early-infantile DEE. Also called: Early infantile epileptic encephalopathy with suppression bursts; Early infantile epileptic encephalopathy; Ohtahara syndrome. Identifiers: Orphanet 1934, MedGen C0393706, MONDO:0800491.

Allele frequency attached by ClinVar (database versions not stated): gnomAD 0.00001.
gnomAD v4.1: 1 of 1,613,362 alleles (0.000062%); highest among the groups gnomAD compares: African/African-American, 0.0013%; no homozygotes.

Submission:

Labcorp Genetics (formerly Invitae), Labcorp
Classification: Uncertain significance for Early-infantile DEE. Last evaluated: 2022-09-24. Review status: criteria provided, single submitter. Criteria: Invitae Variant Classification Sherloc (09022015). Collection method: clinical testing. Allele origin: germline.
Comment: This sequence change replaces valine, which is neutral and non-polar, with methionine, which is neutral and non-polar, at codon 2293 of the SPTAN1 protein (p.Val2293Met). In summary, the available evidence is currently insufficient to determine the role of this variant in disease. Therefore, it has been classified as a Variant of Uncertain Significance. Advanced modeling of protein sequence and biophysical properties (such as structural, functional, and spatial information, amino acid conservation, physicochemical variation, residue mobility, and thermodynamic stability) has been performed at Invitae for this missense variant, however the output from this modeling did not meet the statistical confidence thresholds required to predict the impact of this variant on SPTAN1 protein function. This variant has not been reported in the literature in individuals affected with SPTAN1-related conditions. This variant is present in population databases (no rsID available, gnomAD 0.01%).